The following is an entry in ClinVar:

ClinVar aggregate classification (germline): Benign/Likely benign. Review status: criteria provided, multiple submitters, no conflicts (2 of 4 stars). 10 submissions from 10 submitters: Benign (7); Likely benign (3). Last evaluated 2026-02-04.

Conditions:
Dyskeratosis congenita. Identifiers: Orphanet 1775, MedGen C0265965, MONDO:0015780.
Dyskeratosis congenita, X-linked (DKCX). Also called: Zinsser-Cole-Engman Syndrome. Identifiers: MedGen C1148551, MONDO:0010584, OMIM 305000.

Allele frequency attached by ClinVar (database versions not stated): 1000 Genomes Project 30x 0.99126; 1000 Genomes Project 0.99258; TOPMed 0.99142; ESP Exome Variant Server 0.99186; gnomAD 0.99384; ExAC 0.99744; gnomAD exomes 0.99794.

Submissions (10):

Labcorp Genetics (formerly Invitae), Labcorp
Classification: Benign for Dyskeratosis congenita. Last evaluated: 2026-02-04. Review status: criteria provided, single submitter. Criteria: Invitae Variant Classification Sherloc (09022015). Collection method: clinical testing. Allele origin: germline.

ARUP Laboratories, Molecular Genetics and Genomics, ARUP Laboratories
Classification: Benign. Last evaluated: 2025-07-28. Review status: criteria provided, single submitter. Criteria: ARUP Molecular Germline Variant Investigation Process 2024. Collection method: clinical testing. Allele origin: germline.

Blueprint Genetics
Classification: Likely benign. Last evaluated: 2024-11-28. Review status: criteria provided, single submitter. Criteria: ACMG Guidelines, 2015. Collection method: clinical testing. Allele origin: germline.

Mayo Clinic Laboratories, Mayo Clinic
Classification: Benign. Last evaluated: 2024-05-21. Review status: criteria provided, single submitter. Criteria: ACMG Guidelines, 2015. Collection method: clinical testing. Allele origin: germline. Observed: 1,029 variant alleles.
Comment: BA1, BP4, BP7

Unidad de Genómica Garrahan, Hospital de Pediatría Garrahan
Classification: Benign. Last evaluated: 2024-01-24. Review status: criteria provided, single submitter. Criteria: ACMG Guidelines, 2015. Collection method: clinical testing. Allele origin: germline. Affected: no. Observed: 95 variant alleles.
Comment: This variant is classified as Benign based on local population frequency. This variant was detected in 100% of patients studied by a panel of primary immunodeficiencies. Number of patients: 95. Only high quality variants are reported.

Genome-Nilou Lab
Classification: Benign for Dyskeratosis congenita, X-linked. Last evaluated: 2021-07-30. Review status: criteria provided, single submitter. Criteria: ACMG Guidelines, 2015. Collection method: clinical testing. Allele origin: germline. Affected: no.

Johns Hopkins Genomics, Johns Hopkins University
Classification: Likely benign for Dyskeratosis congenita, X-linked. Last evaluated: 2019-03-05. Review status: criteria provided, single submitter. Criteria: ACMG Guidelines, 2015. Collection method: clinical testing. Allele origin: germline.

Laboratory for Molecular Medicine, Mass General Brigham Personalized Medicine
Classification: Benign. Last evaluated: 2016-03-28. Review status: criteria provided, single submitter. Criteria: LMM Criteria. Collection method: clinical testing. Allele origin: germline.
Comment: Variant identified in a genome or exome case(s) and assessed due to predicted null impact of the variant or pathogenic assertions in the literature or databases. Disclaimer: This variant has not undergone full assessment. The following are preliminary notes: MAF

Eurofins Ntd Llc (ga)
Classification: Benign. Last evaluated: 2012-08-20. Review status: criteria provided, single submitter. Criteria: EGL Classification Definitions 2015. Collection method: clinical testing. Allele origin: germline. Observed: 6 variant alleles, 2 homozygotes, 4 hemizygotes.

Breakthrough Genomics
Classification: Likely benign. Review status: criteria provided, single submitter. Criteria: ACMG Guidelines, 2015. Collection method: not provided. Allele origin: germline. Inheritance: X-linked inheritance. Affected: yes.

NM_001363.5(DKC1):c.369G>T (p.Thr123=)

Gene: DKC1 (dyskerin pseudouridine synthase 1; plus strand). Cytogenetic location: Xq28.
Variant type: single nucleotide variant.
Coding change: c.369G>T on transcript NM_001363.5 (MANE Select); coding-DNA position 369, G replaced by T.
Protein change: p.Thr123=; no amino-acid change (threonine 123 retained).
Molecular consequence: synonymous variant. On other transcripts: non-coding transcript variant (3).
Genome position (GRCh38, 1-based): chrX:154,766,321, G>T. VCF-style: chrX-154766321-G-T. GRCh37 (hg19) VCF-style: chrX-153994596-G-T.
Other names: p.Thr123=; c.369G>T, p.Thr123= (NM_001142463.3, NM_001288747.2).
Identifiers: ClinVar variation 166994 (VCV000166994.32), dbSNP rs2728532, ClinGen allele CA179969.